The following is an entry in ClinVar:

ClinVar aggregate classification (germline): Uncertain significance (1 of 4 stars; one submission).

Submission:

GeneDx
Classification: Uncertain significance. Last evaluated: 2024-01-09. Review status: criteria provided, single submitter. Criteria: GeneDx Variant Classification Process June 2021. Collection method: clinical testing. Allele origin: germline. Affected: yes.
Comment: Not observed at significant frequency in large population cohorts (gnomAD); In silico analysis supports that this missense variant has a deleterious effect on protein structure/function; Has not been previously published as pathogenic or benign to our knowledge

NM_144997.7(FLCN):c.314A>T (p.Lys105Ile)

Gene: FLCN (folliculin; minus strand). Cytogenetic location: 17p11.2.
Variant type: single nucleotide variant.
Coding change: c.314A>T on transcript NM_144997.7 (MANE Select); coding-DNA position 314, A replaced by T.
Protein change: p.Lys105Ile; replaces lysine 105 with isoleucine.
Molecular consequence: missense variant.
Genome position (GRCh38, 1-based): chr17:17,226,258, T>A on the plus strand (A>T on the coding strand, the complement: FLCN is on the minus strand). VCF-style: chr17-17226258-T-A. GRCh37 (hg19) VCF-style: chr17-17129572-T-A.
Other names: c.314A>T, p.Lys105Ile (NM_001353229.2, NM_001353230.2, NM_001353231.2 and 1 more transcripts); short protein forms K105I.
Identifiers: ClinVar variation 3367673 (VCV003367673.1).